The following is an entry in ClinVar:

NM_203446.3(SYNJ1):c.3431G>A (p.Gly1144Asp)

Gene: SYNJ1 (synaptojanin 1; minus strand). Cytogenetic location: 21q22.11.
Variant type: single nucleotide variant.
Coding change: c.3431G>A on transcript NM_203446.3 (MANE Select); coding-DNA position 3431, G replaced by A.
Protein change: p.Gly1144Asp; replaces glycine 1144 with aspartic acid.
Molecular consequence: missense variant. On other transcripts: intron variant (2).
Genome position (GRCh38, 1-based): chr21:32,643,457, C>T on the plus strand (G>A on the coding strand, the complement: SYNJ1 is on the minus strand). VCF-style: chr21-32643457-C-T. GRCh37 (hg19) VCF-style: chr21-34015767-C-T.
Other names: c.3548G>A, p.Gly1183Asp (NM_003895.4); c.3431-1324G>A (NM_001160302.2); c.3377-1491G>A (NM_001160306.2); short protein forms G1183D, G1144D.
Identifiers: ClinVar variation 478343 (VCV000478343.11), dbSNP rs142964720, ClinGen allele CA10003401.

ClinVar aggregate classification (germline): Uncertain significance. Review status: criteria provided, multiple submitters, no conflicts (2 of 4 stars). 3 submissions from 3 submitters: Uncertain significance (3). Last evaluated 2024-10-16.

Conditions:
Developmental and epileptic encephalopathy, 53. Also called: Epileptic encephalopathy, early infantile, 53. Identifiers: MedGen C4479313, MONDO:0033362, OMIM 617389.
Early-onset Parkinson disease 20. Also called: PARKINSON DISEASE 20, AUTOSOMAL RECESSIVE EARLY-ONSET. Identifiers: Orphanet 391411, MedGen C3809824, MONDO:0014233, OMIM 615530.

Allele frequency attached by ClinVar (database versions not stated): gnomAD exomes 0.00008; ExAC 0.00016; 1000 Genomes Project 30x 0.00031; ESP Exome Variant Server 0.00038; 1000 Genomes Project 0.00040; gnomAD 0.00045 and 0.00051; TOPMed 0.00050.
gnomAD v4.1: 171 of 1,613,624 alleles (0.011%); highest among the groups gnomAD compares: African/African-American, 0.19%; no homozygotes.

Submissions (3):

Blueprint Genetics
Classification: Uncertain significance. Last evaluated: 2024-10-16. Review status: criteria provided, single submitter. Criteria: ACMG Guidelines, 2015. Collection method: clinical testing. Allele origin: germline.

GeneDx
Classification: Uncertain significance. Last evaluated: 2024-10-05. Review status: criteria provided, single submitter. Criteria: GeneDx Variant Classification Process June 2021. Collection method: clinical testing. Allele origin: germline. Affected: yes.
Comment: In silico analysis indicates that this missense variant does not alter protein structure/function; Has not been previously published as pathogenic or benign to our knowledge

Labcorp Genetics (formerly Invitae), Labcorp
Classification: Uncertain significance for Developmental and epileptic encephalopathy, 53; Early-onset Parkinson disease 20. Last evaluated: 2024-01-02. Review status: criteria provided, single submitter. Criteria: Invitae Variant Classification Sherloc (09022015). Collection method: clinical testing. Allele origin: germline.
Comment: This sequence change replaces glycine, which is neutral and non-polar, with aspartic acid, which is acidic and polar, at codon 1183 of the SYNJ1 protein (p.Gly1183Asp). This variant is present in population databases (rs142964720, gnomAD 0.1%). This variant has not been reported in the literature in individuals affected with SYNJ1-related conditions. ClinVar contains an entry for this variant (Variation ID: 478343). An algorithm developed to predict the effect of missense changes on protein structure and function (PolyPhen-2) suggests that this variant¬†is likely to be tolerated. In summary, the available evidence is currently insufficient to determine the role of this variant in disease. Therefore, it has been classified as a Variant of Uncertain Significance.